The following is an entry in ClinVar:

NM_001999.4(FBN2):c.5815G>A (p.Glu1939Lys)

Gene: FBN2 (fibrillin 2; minus strand). Cytogenetic location: 5q23.3.
Variant type: single nucleotide variant.
Coding change: c.5815G>A on transcript NM_001999.4 (MANE Select); coding-DNA position 5815, G replaced by A.
Protein change: p.Glu1939Lys; replaces glutamic acid 1939 with lysine.
Molecular consequence: missense variant.
Genome position (GRCh38, 1-based): chr5:128,303,075, C>T on the plus strand (G>A on the coding strand, the complement: FBN2 is on the minus strand). VCF-style: chr5-128303075-C-T. GRCh37 (hg19) VCF-style: chr5-127638767-C-T.
Other names: short protein forms E1939K.
Identifiers: ClinVar variation 994017 (VCV000994017.9), dbSNP rs779671043, ClinGen allele CA3394576.

ClinVar aggregate classification (germline): Uncertain significance. Review status: criteria provided, multiple submitters, no conflicts (2 of 4 stars). 2 submissions from 2 submitters: Uncertain significance (2). Last evaluated 2025-12-12.

Allele frequency attached by ClinVar (database versions not stated): gnomAD exomes 0.00001 and 0.00002; TOPMed 0.00001; ExAC 0.00002.
gnomAD v4.1: 16 of 1,604,932 alleles (0.001%); highest among the groups gnomAD compares: East Asian, 0.0022%; no homozygotes.

Submissions (2):

Women's Health and Genetics/Laboratory Corporation of America, LabCorp
Classification: Uncertain significance. Last evaluated: 2025-12-12. Review status: criteria provided, single submitter. Criteria: LabCorp Variant Classification Summary - May 2015. Collection method: clinical testing. Allele origin: germline.
Comment: Variant summary: FBN2 c.5815G>A (p.Glu1939Lys) results in a conservative amino acid change in the encoded protein sequence. Algorithms developed to predict the effect of missense changes on protein structure and function are either unavailable or do not agree on the potential impact of this missense change. The variant allele was found at a frequency of 1.6e-05 in 251270 control chromosomes. The available data on variant occurrences in the general population are insufficient to allow any conclusion about variant significance. To our knowledge, no occurrence of c.5815G>A in individuals affected with FBN2-related conditions and no experimental evidence demonstrating its impact on protein function have been reported. The following publication has been ascertained in the context of this evaluation (PMID: 29735551). ClinVar contains an entry for this variant (Variation ID: 994017). Based on the evidence outlined above, the variant was classified as uncertain significance.

ARUP Laboratories, Molecular Genetics and Genomics, ARUP Laboratories
Classification: Uncertain significance. Last evaluated: 2019-08-13. Review status: criteria provided, single submitter. Criteria: ARUP Molecular Germline Variant Investigation Process. Collection method: clinical testing. Allele origin: germline.
Comment: The FBN2 c.5815G>A p.Glu1939Lys variant (rs779671043), to our knowledge, is not reported in the medical literature or gene specific databases. This variant is found in the general population with an allele frequency of 0.0016% (4/251,270 alleles) in the Genome Aggregation Database. The glutamic acid at codon 1939 is highly conserved, but computational analyses (SIFT: tolerated, PolyPhen-2: possibly damaging) predict conflicting effects of this variant on protein structure/function. Due to limited information, the clinical significance of this variant is uncertain at this time.

Literature cited by the submitters: PubMed 29735551 (cited by Women's Health and Genetics/Laboratory Corporation of America, LabCorp).